The following is an entry in ClinVar:

ClinVar aggregate classification (germline): Conflicting classifications of pathogenicity. Review status: criteria provided, conflicting classifications (1 of 4 stars). 2 submissions from 2 submitters: Likely pathogenic (1); Uncertain significance (1). Last evaluated 2026-09-23.

Conditions:
Early-infantile DEE. Also called: Early infantile epileptic encephalopathy; Early infantile epileptic encephalopathy with suppression bursts; Ohtahara syndrome. Identifiers: Orphanet 1934, MedGen C0393706, MONDO:0800491.

Allele frequency attached by ClinVar (database versions not stated): gnomAD 0.00001; gnomAD exomes 0.00001 and 0.00002; ExAC 0.00001.
gnomAD v4.1: 32 of 1,613,562 alleles (0.002%); highest among the groups gnomAD compares: Non-Finnish European, 0.0027%; no homozygotes.

Submissions (2):

GeneDx
Classification: Uncertain significance. Last evaluated: 2026-09-23. Review status: criteria provided, single submitter. Criteria: GeneDx Variant Classification Process June 2021. Collection method: clinical testing. Allele origin: germline.
Comment: Not observed at significant frequency in large population cohorts (gnomAD); In silico analysis supports that this missense variant has a deleterious effect on protein structure/function; This substitution is predicted to be within the extracellular loop between the S5 and S6 transmembrane segments of the first homologous domain; Has not been previously published as pathogenic or benign to our knowledge; This variant is associated with the following publications: (PMID: 31765958)

Labcorp Genetics (formerly Invitae), Labcorp
Classification: Likely pathogenic for Early-infantile DEE. Last evaluated: 2025-02-03. Review status: criteria provided, single submitter. Criteria: Invitae Variant Classification Sherloc (09022015). Collection method: clinical testing. Allele origin: germline.
Comment: This sequence change replaces alanine, which is neutral and non-polar, with valine, which is neutral and non-polar, at codon 395 of the SCN1A protein (p.Ala395Val). This variant is present in population databases (rs759121197, gnomAD 0.003%). This missense change has been observed in individual(s) with clinical features of autosomal dominant SCN1A-related conditions (internal data). ClinVar contains an entry for this variant (Variation ID: 1365578). Invitae Evidence Modeling of protein sequence and biophysical properties (such as structural, functional, and spatial information, amino acid conservation, physicochemical variation, residue mobility, and thermodynamic stability) indicates that this missense variant is expected to disrupt SCN1A protein function with a positive predictive value of 95%. This variant disrupts the p.Ala395 amino acid residue in SCN1A. Other variant(s) that disrupt this residue have been determined to be pathogenic (PMID: 31765958). This suggests that this residue is clinically significant, and that variants that disrupt this residue are likely to be disease-causing. In summary, the currently available evidence indicates that the variant is pathogenic, but additional data are needed to prove that conclusively. Therefore, this variant has been classified as Likely Pathogenic.

Literature cited by the submitters: PubMed 31765958 (cited by Labcorp Genetics (formerly Invitae), Labcorp).

NM_001165963.4(SCN1A):c.1184C>T (p.Ala395Val)

Gene: SCN1A (sodium voltage-gated channel alpha subunit 1; minus strand). Cytogenetic location: 2q24.3.
Variant type: single nucleotide variant.
Coding change: c.1184C>T on transcript NM_001165963.4 (MANE Select); coding-DNA position 1184, C replaced by T.
Protein change: p.Ala395Val; replaces alanine 395 with valine.
Molecular consequence: missense variant. On other transcripts: 5 prime UTR variant (1), non-coding transcript variant (1).
Genome position (GRCh38, 1-based): chr2:166,046,963, G>A on the plus strand (C>T on the coding strand, the complement: SCN1A is on the minus strand). VCF-style: chr2-166046963-G-A. GRCh37 (hg19) VCF-style: chr2-166903473-G-A.
Other names: c.1184C>T, p.Ala395Val (NM_001165964.3, NM_001202435.3, NM_001353948.2 and 10 more transcripts); c.-1242C>T (NM_001353961.2); c.1184C>T (NM_001165963.1); short protein forms A395V.
Identifiers: ClinVar variation 1365578 (VCV001365578.9), dbSNP rs759121197, ClinGen allele CA1943338.